The following is an entry in ClinVar:

NM_014712.3(SETD1A):c.2375G>C (p.Gly792Ala)

Gene: SETD1A (SET domain containing 1A, histone lysine methyltransferase; plus strand). Cytogenetic location: 16p11.2.
Variant type: single nucleotide variant.
Coding change: c.2375G>C on transcript NM_014712.3 (MANE Select); coding-DNA position 2375, G replaced by C.
Protein change: p.Gly792Ala; replaces glycine 792 with alanine.
Molecular consequence: missense variant.
Genome position (GRCh38, 1-based): chr16:30,966,256, G>C. VCF-style: chr16-30966256-G-C. GRCh37 (hg19) VCF-style: chr16-30977577-G-C.
Other names: short protein forms G792A.
Identifiers: ClinVar variation 4531606 (VCV004531606.1).

ClinVar aggregate classification (germline): Uncertain significance (1 of 4 stars; one submission).

Conditions:
Neurodevelopmental disorder with speech impairment and dysmorphic facies. Identifiers: MedGen C5436699, MONDO:0033630, OMIM 619056.

gnomAD v4.1: 1 of 1,613,762 alleles (0.000062%); highest among the groups gnomAD compares: South Asian, 0.0011%; no homozygotes.

Submission:

Victorian Clinical Genetics Services, Murdoch Childrens Research Institute
Classification: Uncertain significance for Neurodevelopmental disorder with speech impairment and dysmorphic facies. Last evaluated: 2025-01-16. Review status: criteria provided, single submitter. Criteria: ACMG Guidelines, 2015. Collection method: clinical testing. Allele origin: germline.
Comment: This variant is classified as VUS-3B. Evidence in support of pathogenic classification: Variant is present in gnomAD <0.001 for a dominant condition (v4: 1 heterozygote(s), 0 homozygote(s)); Additional information: Variant is predicted to result in a missense amino acid change from glycine to alanine; This variant is heterozygous; This gene is associated with autosomal dominant disease; This variant has no previous evidence of pathogenicity; No published segregation evidence has been identified for this variant; No published functional evidence has been identified for this variant; No comparable missense variants have previous evidence for pathogenicity; Variant is not located in an established domain, motif, hotspot or informative constraint region; Missense variant with inconclusive in silico prediction and uninformative conservation; Loss of function is a known mechanism of disease in this gene and is associated with neurodevelopmental disorder with speech impairment and dysmorphic facies (MIM#619056), whereas the mechanism is unknown for early onset epilepsy with or without developmental delay (MIM#619056).